The following is an entry in ClinVar:

NM_001286577.2(C2CD3):c.3370C>T (p.Gln1124Ter)

Gene: C2CD3 (C2 domain containing 3 centriole elongation regulator; minus strand). Cytogenetic location: 11q13.4.
Variant type: single nucleotide variant.
Coding change: c.3370C>T on transcript NM_001286577.2 (MANE Select); coding-DNA position 3370, C replaced by T.
Protein change: p.Gln1124Ter; replaces glutamine 1124 with a stop codon.
Molecular consequence: nonsense.
Genome position (GRCh38, 1-based): chr11:74,092,563, G>A on the plus strand (C>T on the coding strand, the complement: C2CD3 is on the minus strand). VCF-style: chr11-74092563-G-A. GRCh37 (hg19) VCF-style: chr11-73803608-G-A.
Other names: c.3370C>T, p.Gln1124Ter (NM_015531.6); short protein forms Q1124*.
Identifiers: ClinVar variation 2880634 (VCV002880634.3), dbSNP rs143397183, ClinGen allele CA224505745.

ClinVar aggregate classification (germline): Pathogenic (1 of 4 stars; one submission).

Allele frequency attached by ClinVar (database versions not stated): gnomAD 0.00001; TOPMed 0.00002; 1000 Genomes Project 0.00020; 1000 Genomes Project 30x 0.00031.
gnomAD v4.1: 1 of 1,613,660 alleles (0.000062%); highest among the groups gnomAD compares: African/African-American, 0.0013%; no homozygotes.

Submission:

Labcorp Genetics (formerly Invitae), Labcorp
Classification: Pathogenic. Last evaluated: 2023-12-15. Review status: criteria provided, single submitter. Criteria: Invitae Variant Classification Sherloc (09022015). Collection method: clinical testing. Allele origin: germline.
Comment: This sequence change creates a premature translational stop signal (p.Gln1124*) in the C2CD3 gene. It is expected to result in an absent or disrupted protein product. Loss-of-function variants in C2CD3 are known to be pathogenic (PMID: 24997988, 26477546). This variant is not present in population databases (gnomAD no frequency). This variant has not been reported in the literature in individuals affected with C2CD3-related conditions. For these reasons, this variant has been classified as Pathogenic.

Literature cited by the submitters: PubMed 24997988; PubMed 26477546.